The following is an entry in ClinVar:

NM_015205.3(ATP11A):c.2113C>T (p.Arg705Cys)

Gene: ATP11A (ATPase phospholipid transporting 11A; plus strand). Cytogenetic location: 13q34.
Variant type: single nucleotide variant.
Coding change: c.2113C>T on transcript NM_015205.3 (MANE Select); coding-DNA position 2113, C replaced by T.
Protein change: p.Arg705Cys; replaces arginine 705 with cysteine.
Molecular consequence: missense variant.
Genome position (GRCh38, 1-based): chr13:112,854,400, C>T. VCF-style: chr13-112854400-C-T. GRCh37 (hg19) VCF-style: chr13-113508714-C-T.
Other names: c.2113C>T, p.Arg705Cys (NM_001405661.1, NM_001405662.1, NM_001405663.1 and 1 more transcripts); short protein forms R705C.
Identifiers: ClinVar variation 4979132 (VCV004979132.1).
Genomic context (GRCh38, chr13:112,854,400, plus strand): 5'-GTTCTCACGGGAGACAAGATGGAGACGGCCGCGGCCACGTGCTACGCCTGCAAGCTCTTC[C>T]GCAGGAACACGCAGCTGCTGGAGCTGACCACCAAGAGGATCGAGGAGCAGAGCCTGCACG-3'
Protein context (NP_056020.2, residues 695-715): AATCYACKLF[Arg705Cys]RNTQLLELTT

ClinVar aggregate classification (germline): Likely benign (1 of 4 stars; one submission).

Conditions:
ATP11A-related disorder. Also called: ATP11A-related condition.

gnomAD v4.1: 376 of 1,613,748 alleles (0.023%); highest among the groups gnomAD compares: South Asian, 0.25%; 3 homozygotes.

Submission:

PreventionGenetics, part of Exact Sciences
Classification: Likely benign for ATP11A-related condition. Last evaluated: 2025-03-20. Review status: criteria provided, single submitter. Criteria: ACMG Guidelines, 2015. Collection method: clinical testing. Allele origin: germline.
Comment: This variant is classified as likely benign based on ACMG/AMP sequence variant interpretation guidelines (Richards et al. 2015 PMID: 25741868, with internal and published modifications).